The following is an entry in ClinVar:

ClinVar aggregate classification (germline): Uncertain significance (1 of 4 stars; one submission).

Conditions:
Spermatogenic failure 18. Identifiers: MedGen C4539783, MONDO:0054615, OMIM 617576.
Ciliary dyskinesia, primary, 37 (CILD37). Also called: CILIARY DYSKINESIA, PRIMARY, 37, WITH OR WITHOUT SITUS INVERSUS. Identifiers: MedGen C4539798, MONDO:0033204, OMIM 617577.

Allele frequency attached by ClinVar (database versions not stated): gnomAD exomes below 0.00001; TOPMed below 0.00001.

Submission:

Labcorp Genetics (formerly Invitae), Labcorp
Classification: Uncertain significance for Ciliary dyskinesia, primary, 37; Spermatogenic failure 18. Last evaluated: 2021-04-13. Review status: criteria provided, single submitter. Criteria: Invitae Variant Classification Sherloc (09022015). Collection method: clinical testing. Allele origin: germline.
Comment: This sequence change replaces glutamic acid with glycine at codon 2035 of the DNAH1 protein (p.Glu2035Gly). The glutamic acid residue is moderately conserved and there is a moderate physicochemical difference between glutamic acid and glycine. This variant is not present in population databases (ExAC no frequency). This variant has not been reported in the literature in individuals with DNAH1-related conditions. Algorithms developed to predict the effect of missense changes on protein structure and function are either unavailable or do not agree on the potential impact of this missense change (SIFT: "Deleterious"; PolyPhen-2: "Benign"; Align-GVGD: "Class C0"). In summary, the available evidence is currently insufficient to determine the role of this variant in disease. Therefore, it has been classified as a Variant of Uncertain Significance.

NM_015512.5(DNAH1):c.6104A>G (p.Glu2035Gly)

Gene: DNAH1 (dynein axonemal heavy chain 1; plus strand). Cytogenetic location: 3p21.1.
Variant type: single nucleotide variant.
Coding change: c.6104A>G on transcript NM_015512.5 (MANE Select); coding-DNA position 6104, A replaced by G.
Protein change: p.Glu2035Gly; replaces glutamic acid 2035 with glycine.
Molecular consequence: missense variant.
Genome position (GRCh38, 1-based): chr3:52,369,985, A>G. VCF-style: chr3-52369985-A-G. GRCh37 (hg19) VCF-style: chr3-52404001-A-G.
Other names: short protein forms E2035G.
Identifiers: ClinVar variation 1434958 (VCV001434958.7), dbSNP rs886826688, ClinGen allele CA74758898.